The following is an entry in ClinVar:

ClinVar aggregate classification (germline): Conflicting classifications of pathogenicity. Review status: criteria provided, conflicting classifications (1 of 4 stars). 6 submissions from 6 submitters: Uncertain significance (4); Likely benign (2). Last evaluated 2025-10-13.

Conditions:
Cardiovascular phenotype. Identifiers: MedGen CN230736.
Catecholaminergic polymorphic ventricular tachycardia 1. Also called: VENTRICULAR TACHYCARDIA, CATECHOLAMINERGIC POLYMORPHIC, 1, WITH OR WITHOUT ATRIAL DYSFUNCTION AND/OR DILATED CARDIOMYOPATHY; VENTRICULAR TACHYCARDIA, STRESS-INDUCED POLYMORPHIC 1; RYR2-Related Catecholaminergic Polymorphic Ventricular Tachycardia. Identifiers: Orphanet 3286, MedGen C1631597, MONDO:0011484, OMIM 604772.
Arrhythmogenic right ventricular dysplasia 2. Identifiers: MedGen C1832931.
Ventricular arrhythmias due to cardiac ryanodine receptor calcium release deficiency syndrome. Also called: Autosomal dominant cardiac arrhythmia (Kuhn). Identifiers: MedGen C5542154, MONDO:0020745, OMIM 115000.
Cardiomyopathy (CMYO). Also called: Cardiomyopathies. Identifiers: Orphanet 167848, MedGen C0878544, MONDO:0004994, HP:0001638. Inheritance: Various modes of inheritance.

Allele frequency attached by ClinVar (database versions not stated): gnomAD 0.00001; gnomAD exomes 0.00001; ExAC 0.00002; TOPMed 0.00004.
gnomAD v4.1: 16 of 1,613,774 alleles (0.00099%); highest among the groups gnomAD compares: African/African-American, 0.0053%; no homozygotes.

Submissions (6):

Labcorp Genetics (formerly Invitae), Labcorp
Classification: Likely benign for Catecholaminergic polymorphic ventricular tachycardia 1. Last evaluated: 2025-10-13. Review status: criteria provided, single submitter. Criteria: Invitae Variant Classification Sherloc (09022015). Collection method: clinical testing. Allele origin: germline.

Color Diagnostics, LLC DBA Color Health
Classification: Uncertain significance for Cardiomyopathy. Last evaluated: 2024-07-15. Review status: criteria provided, single submitter. Criteria: ACMG Guidelines, 2015. Collection method: clinical testing. Allele origin: germline.
Comment: This missense variant replaces threonine with methionine at codon 1317 of the RYR2 protein. Computational prediction suggests that this variant may not impact protein structure and function. To our knowledge, functional studies have not been reported for this variant. This variant has not been reported in individuals affected with RYR2-related disorders in the literature. This variant has been identified in 3/248918 chromosomes in the general population by the Genome Aggregation Database (gnomAD). The available evidence is insufficient to determine the role of this variant in disease conclusively. Therefore, this variant is classified as a Variant of Uncertain Significance.

Ambry Genetics
Classification: Uncertain significance for Cardiovascular phenotype. Last evaluated: 2022-09-06. Review status: criteria provided, single submitter. Criteria: Ambry Variant Classification Scheme 2023. Collection method: clinical testing. Allele origin: germline.
Comment: The p.T1317M variant (also known as c.3950C>T), located in coding exon 31 of the RYR2 gene, results from a C to T substitution at nucleotide position 3950. The threonine at codon 1317 is replaced by methionine, an amino acid with similar properties. This amino acid position is not well conserved in available vertebrate species. In addition, this alteration is predicted to be tolerated by in silico analysis. Since supporting evidence is limited at this time, the clinical significance of this alteration remains unclear.

Blueprint Genetics
Classification: Likely benign. Last evaluated: 2022-06-09. Review status: criteria provided, single submitter. Criteria: ACMG Guidelines, 2015. Collection method: clinical testing. Allele origin: germline.

Fulgent Genetics
Classification: Uncertain significance for Ventricular arrhythmias due to cardiac ryanodine receptor calcium release deficiency syndrome; Catecholaminergic polymorphic ventricular tachycardia 1. Last evaluated: 2021-09-17. Review status: criteria provided, single submitter. Criteria: ACMG Guidelines, 2015. Collection method: clinical testing. Allele origin: unknown.

GeneDx
Classification: Uncertain significance. Last evaluated: 2021-06-07. Review status: criteria provided, single submitter. Criteria: GeneDx Variant Classification Process June 2021. Collection method: clinical testing. Allele origin: germline. Affected: yes.
Comment: Has not been previously published as pathogenic or benign to our knowledge; Not observed at a significant frequency in large population cohorts (Lek et al., 2016); Not located in one of the three hot-spot regions of the RYR2 gene, where the majority of pathogenic missense variants occur (Medeiros-Domingo et al., 2009); In silico analysis supports that this missense variant does not alter protein structure/function; This variant is associated with the following publications: (PMID: 19926015, 26582918, 27535533)

NM_001035.3(RYR2):c.3950C>T (p.Thr1317Met)

Genes: RYR2 (ryanodine receptor 2; plus strand), LOC126806067 (BRD4-independent group 4 enhancer GRCh37_chr1:237753258-237754457; plus strand). Cytogenetic location: 1q43.
Variant type: single nucleotide variant.
Coding change: c.3950C>T on transcript NM_001035.3 (MANE Select); coding-DNA position 3950, C replaced by T.
Protein change: p.Thr1317Met; replaces threonine 1317 with methionine.
Molecular consequence: missense variant.
Genome position (GRCh38, 1-based): chr1:237,590,782, C>T. VCF-style: chr1-237590782-C-T. GRCh37 (hg19) VCF-style: chr1-237754082-C-T.
Other names: p.T1317M:ACG>ATG; c.3950C>T, p.Thr1317Met (LRG_402t1); short protein forms T1317M.
Identifiers: ClinVar variation 201242 (VCV000201242.16), dbSNP rs752107643, ClinGen allele CA009414.
Genomic context (GRCh38, chr1:237,590,782, plus strand): 5'-CTGATATCATGTTTTATCGCCTGAGCATGCCGATCGAGTGCGCGGAGGTCTTCTCCAAGA[C>T]GGTGGCTGGAGGGCTCCCTGGGGCTGGCCTTTTTGGGCCCAAGAATGACTTGGAAGATTA-3'
Protein context (NP_001026.2, residues 1307-1327): PIECAEVFSK[Thr1317Met]VAGGLPGAGL